The following is an entry in ClinVar:

NM_000535.7(PMS2):c.335G>A (p.Ser112Asn)

Gene: PMS2 (PMS1 homolog 2, mismatch repair system component; minus strand). Cytogenetic location: 7p22.1.
Variant type: single nucleotide variant.
Coding change: c.335G>A on transcript NM_000535.7 (MANE Select); coding-DNA position 335, G replaced by A.
Protein change: p.Ser112Asn; replaces serine 112 with asparagine.
Molecular consequence: missense variant. On other transcripts: 5 prime UTR variant (9), non-coding transcript variant (1), intron variant (2).
Genome position (GRCh38, 1-based): chr7:6,003,708, C>T on the plus strand (G>A on the coding strand, the complement: PMS2 is on the minus strand). VCF-style: chr7-6003708-C-T. GRCh37 (hg19) VCF-style: chr7-6043339-C-T.
Other names: c.-71G>A (NM_001018040.1, NM_001322003.2, NM_001322004.2 and 14 more transcripts); c.335G>A, p.Ser112Asn (NM_001322006.2, NM_001322014.2, NM_001406869.1 and 8 more transcripts); c.-550G>A (NM_001322011.2, NM_001322012.2); c.-150G>A (NM_001322015.2, NM_001406875.1, NM_001406877.1 and 3 more transcripts); c.521G>A, p.Ser174Asn (NM_001406866.1); c.359G>A, p.Ser120Asn (NM_001406868.1); c.-61G>A (NM_001406890.1); c.35+264G>A (NM_001322008.2, NM_001322007.2); short protein forms S112N, S120N, S174N.
Identifiers: ClinVar variation 1730595 (VCV001730595.5), dbSNP rs1219157493, ClinGen allele CA366744561.

ClinVar aggregate classification (germline): Uncertain significance. Review status: criteria provided, multiple submitters, no conflicts (2 of 4 stars). 2 submissions from 2 submitters: Uncertain significance (2). Last evaluated 2023-09-29.

Conditions:
Hereditary nonpolyposis colorectal neoplasms. Identifiers: MedGen C0009405, MeSH D003123.
Hereditary cancer-predisposing syndrome. Also called: Neoplastic Syndromes, Hereditary; Tumor predisposition; Hereditary Cancer Syndrome; Hereditary neoplastic syndrome. Identifiers: Orphanet 140162, MedGen C0027672, MeSH D009386, MONDO:0015356.

Allele frequency attached by ClinVar (database versions not stated): TOPMed below 0.00001.

Submissions (2):

Labcorp Genetics (formerly Invitae), Labcorp
Classification: Uncertain significance for Hereditary nonpolyposis colorectal neoplasms. Last evaluated: 2023-09-29. Review status: criteria provided, single submitter. Criteria: Invitae Variant Classification Sherloc (09022015). Collection method: clinical testing. Allele origin: germline.
Comment: This sequence change replaces serine, which is neutral and polar, with asparagine, which is neutral and polar, at codon 112 of the PMS2 protein (p.Ser112Asn). This variant is not present in population databases (gnomAD no frequency). This variant has not been reported in the literature in individuals affected with PMS2-related conditions. ClinVar contains an entry for this variant (Variation ID: 1730595). Advanced modeling of protein sequence and biophysical properties (such as structural, functional, and spatial information, amino acid conservation, physicochemical variation, residue mobility, and thermodynamic stability) has been performed at Invitae for this missense variant, however the output from this modeling did not meet the statistical confidence thresholds required to predict the impact of this variant on PMS2 protein function. In summary, the available evidence is currently insufficient to determine the role of this variant in disease. Therefore, it has been classified as a Variant of Uncertain Significance.

Ambry Genetics
Classification: Uncertain significance for Hereditary cancer-predisposing syndrome. Last evaluated: 2021-07-25. Review status: criteria provided, single submitter. Criteria: Ambry Variant Classification Scheme 2023. Collection method: clinical testing. Allele origin: germline.
Comment: The p.S112N variant (also known as c.335G>A), located in coding exon 4 of the PMS2 gene, results from a G to A substitution at nucleotide position 335. The serine at codon 112 is replaced by asparagine, an amino acid with highly similar properties. This amino acid position is highly conserved in available vertebrate species. In addition, the in silico prediction for this alteration is inconclusive. Since supporting evidence is limited at this time, the clinical significance of this alteration remains unclear.